The following is an entry in ClinVar:

ClinVar aggregate classification (germline): Uncertain significance. Review status: criteria provided, multiple submitters, no conflicts (2 of 4 stars). 2 submissions from 2 submitters: Uncertain significance (2). Last evaluated 2024-01-15.

Conditions:
Combined immunodeficiency due to LRBA deficiency. Also called: Common variable immunodeficiency 8, with autoimmunity. Identifiers: Orphanet 445018, MedGen C3553512, MONDO:0013863, OMIM 614700.

Allele frequency attached by ClinVar (database versions not stated): gnomAD exomes 0.00001 and 0.00002; ExAC 0.00004; ESP Exome Variant Server 0.00008; gnomAD 0.00008 and 0.00009; TOPMed 0.00012.
gnomAD v4.1: 30 of 1,613,822 alleles (0.0019%); highest among the groups gnomAD compares: African/African-American, 0.031%; no homozygotes.

Submissions (2):

Mayo Clinic Laboratories, Mayo Clinic
Classification: Uncertain significance. Last evaluated: 2024-01-15. Review status: criteria provided, single submitter. Criteria: ACMG Guidelines, 2015. Collection method: clinical testing. Allele origin: germline. Observed: 1 variant allele.
Comment: BP4

Labcorp Genetics (formerly Invitae), Labcorp
Classification: Uncertain significance for Combined immunodeficiency due to LRBA deficiency. Last evaluated: 2022-10-13. Review status: criteria provided, single submitter. Criteria: Invitae Variant Classification Sherloc (09022015). Collection method: clinical testing. Allele origin: germline.
Comment: This sequence change replaces glutamic acid, which is acidic and polar, with glycine, which is neutral and non-polar, at codon 1121 of the LRBA protein (p.Glu1121Gly). This variant is present in population databases (rs146128973, gnomAD 0.02%). This variant has not been reported in the literature in individuals affected with LRBA-related conditions. ClinVar contains an entry for this variant (Variation ID: 1504463). Advanced modeling of protein sequence and biophysical properties (such as structural, functional, and spatial information, amino acid conservation, physicochemical variation, residue mobility, and thermodynamic stability) performed at Invitae indicates that this missense variant is not expected to disrupt LRBA protein function. In summary, the available evidence is currently insufficient to determine the role of this variant in disease. Therefore, it has been classified as a Variant of Uncertain Significance.

NM_001364905.1(LRBA):c.3362A>G (p.Glu1121Gly)

Gene: LRBA (LPS responsive beige-like anchor protein; minus strand). Cytogenetic location: 4q31.3.
Variant type: single nucleotide variant.
Coding change: c.3362A>G on transcript NM_001364905.1 (MANE Select); coding-DNA position 3362, A replaced by G.
Protein change: p.Glu1121Gly; replaces glutamic acid 1121 with glycine.
Molecular consequence: missense variant.
Genome position (GRCh38, 1-based): chr4:150,852,348, T>C on the plus strand (A>G on the coding strand, the complement: LRBA is on the minus strand). VCF-style: chr4-150852348-T-C. GRCh37 (hg19) VCF-style: chr4-151773500-T-C.
Other names: p.Glu1121Gly; c.3362A>G, p.Glu1121Gly (NM_001199282.3, NM_001367550.1, NM_006726.5); short protein forms E1121G.
Identifiers: ClinVar variation 1504463 (VCV001504463.6), dbSNP rs146128973, ClinGen allele CA3103056.